The following is an entry in ClinVar:

NM_001171613.2(PREPL):c.421G>A (p.Val141Ile)

Gene: PREPL (prolyl endopeptidase like; minus strand). Cytogenetic location: 2p21.
Variant type: single nucleotide variant.
Coding change: c.421G>A on transcript NM_001171613.2 (MANE Select); coding-DNA position 421, G replaced by A.
Protein change: p.Val141Ile; replaces valine 141 with isoleucine.
Molecular consequence: missense variant.
Genome position (GRCh38, 1-based): chr2:44,342,481, C>T on the plus strand (G>A on the coding strand, the complement: PREPL is on the minus strand). VCF-style: chr2-44342481-C-T. GRCh37 (hg19) VCF-style: chr2-44569620-C-T.
Other names: c.688G>A, p.Val230Ile (NM_001042385.2, NM_001042386.2, NM_001171603.1 and 4 more transcripts); c.421G>A, p.Val141Ile (NM_001171617.1, NM_001374277.1); short protein forms V141I, V230I.
Identifiers: ClinVar variation 2060232 (VCV002060232.3), dbSNP rs371112188, ClinGen allele CA1641480.

ClinVar aggregate classification (germline): Uncertain significance. Review status: criteria provided, multiple submitters, no conflicts (2 of 4 stars). 2 submissions from 2 submitters: Uncertain significance (2). Last evaluated 2024-03-15.

Conditions:
Myasthenic syndrome, congenital, 22 (CMS22). Also called: PREPL DEFICIENCY. Identifiers: MedGen C4479088, MONDO:0044299, OMIM 616224.
Inborn genetic diseases. Identifiers: MedGen C0950123, MeSH D030342.

Allele frequency attached by ClinVar (database versions not stated): gnomAD 0.00002; ExAC 0.00006; TOPMed 0.00006; ESP Exome Variant Server 0.00015.
gnomAD v4.1: 80 of 1,612,572 alleles (0.005%); highest among the groups gnomAD compares: Non-Finnish European, 0.0059%; no homozygotes.

Submissions (2):

Ambry Genetics
Classification: Uncertain significance for Inborn genetic diseases. Last evaluated: 2024-03-15. Review status: criteria provided, single submitter. Criteria: Ambry Variant Classification Scheme 2023. Collection method: clinical testing. Allele origin: germline.

Labcorp Genetics (formerly Invitae), Labcorp
Classification: Uncertain significance for Myasthenic syndrome, congenital, 22. Last evaluated: 2022-03-30. Review status: criteria provided, single submitter. Criteria: Invitae Variant Classification Sherloc (09022015). Collection method: clinical testing. Allele origin: germline.
Comment: This sequence change replaces valine, which is neutral and non-polar, with isoleucine, which is neutral and non-polar, at codon 230 of the PREPL protein (p.Val230Ile). This variant is present in population databases (rs371112188, gnomAD 0.006%). In summary, the available evidence is currently insufficient to determine the role of this variant in disease. Therefore, it has been classified as a Variant of Uncertain Significance. Algorithms developed to predict the effect of missense changes on protein structure and function (SIFT, PolyPhen-2, Align-GVGD) all suggest that this variant is likely to be disruptive. This variant has not been reported in the literature in individuals affected with PREPL-related conditions.